The following is an entry in ClinVar:

NM_152383.5(DIS3L2):c.2254C>T (p.Leu752Phe)

Gene: DIS3L2 (DIS3 like 3'-5' exoribonuclease 2; plus strand). Cytogenetic location: 2q37.1.
Variant type: single nucleotide variant.
Coding change: c.2254C>T on transcript NM_152383.5 (MANE Select); coding-DNA position 2254, C replaced by T.
Protein change: p.Leu752Phe; replaces leucine 752 with phenylalanine.
Molecular consequence: missense variant. On other transcripts: non-coding transcript variant (2), intron variant (1).
Genome position (GRCh38, 1-based): chr2:232,334,464, C>T. VCF-style: chr2-232334464-C-T. GRCh37 (hg19) VCF-style: chr2-233199174-C-T.
Other names: c.1582-8881C>T (NM_001257281.2); short protein forms L752F.
Identifiers: ClinVar variation 579314 (VCV000579314.8), dbSNP rs1559219861, ClinGen allele CA350977809.

ClinVar aggregate classification (germline): Uncertain significance (1 of 4 stars; one submission).

Conditions:
Perlman syndrome (PRLMNS). Identifiers: Orphanet 2849, MedGen C0796113, MONDO:0009965, OMIM 267000.

Submission:

Labcorp Genetics (formerly Invitae), Labcorp
Classification: Uncertain significance for Perlman syndrome. Last evaluated: 2018-04-08. Review status: criteria provided, single submitter. Criteria: Invitae Variant Classification Sherloc (09022015). Collection method: clinical testing. Allele origin: germline.
Comment: This variant has not been reported in the literature in individuals with DIS3L2-related disease. This sequence change replaces leucine with phenylalanine at codon 752 of the DIS3L2 protein (p.Leu752Phe). The leucine residue is moderately conserved and there is a small physicochemical difference between leucine and phenylalanine. This variant is not present in population databases (ExAC no frequency). Algorithms developed to predict the effect of missense changes on protein structure and function do not agree on the potential impact of this missense change (SIFT: "Deleterious"; PolyPhen-2: "Probably Damaging"; Align-GVGD: "Class C0"). In summary, the available evidence is currently insufficient to determine the role of this variant in disease. Therefore, it has been classified as a Variant of Uncertain Significance.